The following is an entry in ClinVar:

ClinVar aggregate classification (germline): Uncertain significance. Review status: criteria provided, single submitter (1 of 4 stars). 2 submissions from 2 submitters: Uncertain significance (1). 1 of the submissions does not count toward it. Last evaluated 2018-12-07.

Conditions:
Hereditary hemorrhagic telangiectasia (HHT). Also called: ORW DISEASE; Osler Weber Rendu syndrome; OSLER-RENDU-WEBER DISEASE; Osler hemorrhagic telangiectasia syndrome. Identifiers: Orphanet 774, MedGen C0039445, MONDO:0019180. Disease mechanism: loss of function.
Telangiectasia, hereditary hemorrhagic, type 1 (HHT1). Also called: Osler Weber Rendu syndrome type 1; ENG-Related Hereditary Hemorrhagic Telangiectasia. Identifiers: Orphanet 774, MedGen C4551861, MONDO:0008535, OMIM 187300. Disease mechanism: loss of function.

Allele frequency attached by ClinVar (database versions not stated): TOPMed below 0.00001.

Submissions (2):

Labcorp Genetics (formerly Invitae), Labcorp
Classification: Uncertain significance for Hereditary hemorrhagic telangiectasia. Last evaluated: 2018-12-07. Review status: criteria provided, single submitter. Criteria: Invitae Variant Classification Sherloc (09022015). Collection method: clinical testing. Allele origin: germline.
Comment: In summary, the available evidence is currently insufficient to determine the role of this variant in disease. Therefore, it has been classified as a Variant of Uncertain Significance. Algorithms developed to predict the effect of missense changes on protein structure and function are either unavailable or do not agree on the potential impact of this missense change (SIFT: "Deleterious"; PolyPhen-2: "Benign"; Align-GVGD: "Class C0"). This variant has not been reported in the literature in individuals with ENG-related conditions. This variant is not present in population databases (ExAC no frequency). This sequence change replaces glutamine with histidine at codon 166 of the ENG protein (p.Gln166His). The glutamine residue is moderately conserved and there is a small physicochemical difference between glutamine and histidine.

Department of Traditional Chinese Medicine, Fujian Provincial Hospital
Classification: Uncertain significance for Telangiectasia, hereditary hemorrhagic, type 1. Review status: no assertion criteria provided. Collection method: research. Allele origin: de novo. Inheritance: Autosomal dominant inheritance. Affected: no. Observed: 1 hemizygote. Not counted in ClinVar's aggregate classification.

Literature cited by the submitters: PubMed 31630786 (cited by Department of Traditional Chinese Medicine, Fujian Provincial Hospital).

NM_001114753.3(ENG):c.498G>C (p.Gln166His)

Gene: ENG (endoglin; minus strand). Cytogenetic location: 9q34.11.
Variant type: single nucleotide variant.
Coding change: c.498G>C on transcript NM_001114753.3 (MANE Select); coding-DNA position 498, G replaced by C.
Protein change: p.Gln166His; replaces glutamine 166 with histidine.
Molecular consequence: missense variant. On other transcripts: 5 prime UTR variant (1).
Genome position (GRCh38, 1-based): chr9:127,826,535, C>G on the plus strand (G>C on the coding strand, the complement: ENG is on the minus strand). VCF-style: chr9-127826535-C-G. GRCh37 (hg19) VCF-style: chr9-130588814-C-G.
Other names: c.498G>C, p.Gln166His (NM_000118.4, NM_001406715.1); c.-49G>C (NM_001278138.2); short protein forms Q166H.
Identifiers: ClinVar variation 641345 (VCV000641345.11), dbSNP rs1167818567, ClinGen allele CA374984143.
Genomic context (GRCh38, chr9:127,826,535, plus strand): 5'-ATCATGAGCCCAGAGAGGTTGCTGGGGAAACTGACCTTGGCCCAGTCGGAGGAGGATGCT[C>G]TGGGGGTCATTCAGCTCAGCAGCAGAGGTGATGGGGCCCCTCTCAGCTGCCCACTCAAGG-3'
Protein context (NP_001108225.1, residues 156-176): ITSAAELNDP[Gln166His]SILLRLGQAQ